The following is an entry in ClinVar:

NM_006361.6(HOXB13):c.616C>G (p.His206Asp)

Gene: HOXB13 (homeobox B13; minus strand). Cytogenetic location: 17q21.32.
Variant type: single nucleotide variant.
Coding change: c.616C>G on transcript NM_006361.6 (MANE Select); coding-DNA position 616, C replaced by G.
Protein change: p.His206Asp; replaces histidine 206 with aspartic acid.
Molecular consequence: missense variant.
Genome position (GRCh38, 1-based): chr17:48,727,029, G>C on the plus strand (C>G on the coding strand, the complement: HOXB13 is on the minus strand). VCF-style: chr17-48727029-G-C. GRCh37 (hg19) VCF-style: chr17-46804391-G-C.
Other names: c.616C>G (NM_006361.5); short protein forms H206D.
Identifiers: ClinVar variation 1425948 (VCV001425948.10), dbSNP rs2143067889, ClinGen allele CA400107048.

ClinVar aggregate classification (germline): Uncertain significance. Review status: criteria provided, multiple submitters, no conflicts (2 of 4 stars). 3 submissions from 3 submitters: Uncertain significance (3). Last evaluated 2025-07-15.

Conditions:
Hereditary cancer-predisposing syndrome. Also called: Tumor predisposition; Hereditary neoplastic syndrome; Neoplastic Syndromes, Hereditary; Hereditary Cancer Syndrome. Identifiers: Orphanet 140162, MedGen C0027672, MeSH D009386, MONDO:0015356.

Submissions (3):

GeneDx
Classification: Uncertain significance. Last evaluated: 2025-07-15. Review status: criteria provided, single submitter. Criteria: GeneDx Variant Classification Process June 2021. Collection method: clinical testing. Allele origin: germline. Affected: yes.
Comment: Not observed at significant frequency in large population cohorts (gnomAD); In silico analysis supports that this missense variant has a deleterious effect on protein structure/function; Has not been previously published as pathogenic or benign to our knowledge; This variant is associated with the following publications: (PMID: 19389631)

Labcorp Genetics (formerly Invitae), Labcorp
Classification: Uncertain significance. Last evaluated: 2024-10-22. Review status: criteria provided, single submitter. Criteria: Invitae Variant Classification Sherloc (09022015). Collection method: clinical testing. Allele origin: germline.
Comment: This sequence change replaces histidine, which is basic and polar, with aspartic acid, which is acidic and polar, at codon 206 of the HOXB13 protein (p.His206Asp). This variant is not present in population databases (gnomAD no frequency). This variant has not been reported in the literature in individuals affected with HOXB13-related conditions. ClinVar contains an entry for this variant (Variation ID: 1425948). Invitae Evidence Modeling of protein sequence and biophysical properties (such as structural, functional, and spatial information, amino acid conservation, physicochemical variation, residue mobility, and thermodynamic stability) indicates that this missense variant is not expected to disrupt HOXB13 protein function with a negative predictive value of 80%. In summary, the available evidence is currently insufficient to determine the role of this variant in disease. Therefore, it has been classified as a Variant of Uncertain Significance.

Ambry Genetics
Classification: Uncertain significance for Hereditary cancer-predisposing syndrome. Last evaluated: 2022-12-24. Review status: criteria provided, single submitter. Criteria: Ambry Variant Classification Scheme 2023. Collection method: clinical testing. Allele origin: germline.
Comment: The p.H206D variant (also known as c.616C>G), located in coding exon 2 of the HOXB13 gene, results from a C to G substitution at nucleotide position 616. The histidine at codon 206 is replaced by aspartic acid, an amino acid with similar properties. This amino acid position is conserved. In addition, the in silico prediction for this alteration is inconclusive. Since supporting evidence is limited at this time, the clinical significance of this alteration remains unclear.